The following is an entry in ClinVar:

NM_002232.5(KCNA3):c.294G>C (p.Glu98Asp)

Gene: KCNA3 (potassium voltage-gated channel subfamily A member 3; minus strand). Cytogenetic location: 1p13.3.
Variant type: single nucleotide variant.
Coding change: c.294G>C on transcript NM_002232.5 (MANE Select); coding-DNA position 294, G replaced by C.
Protein change: p.Glu98Asp; replaces glutamic acid 98 with aspartic acid.
Molecular consequence: missense variant.
Genome position (GRCh38, 1-based): chr1:110,674,516, C>G on the plus strand (G>C on the coding strand, the complement: KCNA3 is on the minus strand). VCF-style: chr1-110674516-C-G. GRCh37 (hg19) VCF-style: chr1-111217138-C-G.
Other names: short protein forms E98D.
Identifiers: ClinVar variation 3778070 (VCV003778070.7).

ClinVar aggregate classification (germline): Benign (1 of 4 stars; one submission).

gnomAD v4.1: 524 of 1,611,894 alleles (0.033%); highest among the groups gnomAD compares: African/African-American, 0.64%; 3 homozygotes.

Submission:

CeGaT Center for Human Genetics Tuebingen
Classification: Benign. Last evaluated: 2026-09-01. Review status: criteria provided, single submitter. Criteria: CeGaT Center For Human Genetics Tuebingen Variant Classification Criteria Version 2. Collection method: clinical testing. Allele origin: germline. Affected: yes. Observed: 2 variant alleles.
Comment: KCNA3: BS1, BS2